The following is an entry in ClinVar:

ClinVar aggregate classification (germline): Uncertain significance (1 of 4 stars; one submission).

Conditions:
Fanconi anemia (FA). Also called: Fanconi's anemia. Identifiers: Orphanet 84, MedGen C0015625, MeSH D005199, MONDO:0019391.

gnomAD v4.1: 11 of 1,613,514 alleles (0.00068%); highest among the groups gnomAD compares: Non-Finnish European, 0.00093%; no homozygotes.

Submission:

Labcorp Genetics (formerly Invitae), Labcorp
Classification: Uncertain significance for Fanconi anemia. Last evaluated: 2024-06-18. Review status: criteria provided, single submitter. Criteria: Invitae Variant Classification Sherloc (09022015). Collection method: clinical testing. Allele origin: germline.
Comment: This sequence change replaces histidine, which is basic and polar, with tyrosine, which is neutral and polar, at codon 352 of the FANCA protein (p.His352Tyr). This variant is not present in population databases (gnomAD no frequency). This variant has not been reported in the literature in individuals affected with FANCA-related conditions. Advanced modeling of protein sequence and biophysical properties (such as structural, functional, and spatial information, amino acid conservation, physicochemical variation, residue mobility, and thermodynamic stability) performed at Invitae indicates that this missense variant is expected to disrupt FANCA protein function with a positive predictive value of 80%. In summary, the available evidence is currently insufficient to determine the role of this variant in disease. Therefore, it has been classified as a Variant of Uncertain Significance.

NM_000135.4(FANCA):c.1054C>T (p.His352Tyr)

Gene: FANCA (FA complementation group A; minus strand). Cytogenetic location: 16q24.3.
Variant type: single nucleotide variant.
Coding change: c.1054C>T on transcript NM_000135.4 (MANE Select); coding-DNA position 1054, C replaced by T.
Protein change: p.His352Tyr; replaces histidine 352 with tyrosine.
Molecular consequence: missense variant.
Genome position (GRCh38, 1-based): chr16:89,792,500, G>A on the plus strand (C>T on the coding strand, the complement: FANCA is on the minus strand). VCF-style: chr16-89792500-G-A. GRCh37 (hg19) VCF-style: chr16-89858908-G-A.
Other names: c.1054C>T, p.His352Tyr (NM_001286167.3); short protein forms H352Y.
Identifiers: ClinVar variation 3626405 (VCV003626405.2).